The following is an entry in ClinVar:

NM_000465.4(BARD1):c.1678-11del

Gene: BARD1 (BRCA1 associated RING domain 1; minus strand). Cytogenetic location: 2q35.
Variant type: Deletion.
Coding change: c.1678-11del on transcript NM_000465.4 (MANE Select); 11 bases into the intron before coding-DNA position 1678, one base deleted (T; older notation c.1678-11delT).
Molecular consequence: intron variant.
Genome position (GRCh38, 1-based): chr2:214,745,865, A deleted on the plus strand (T on the coding strand, the reverse complement: BARD1 is on the minus strand); the first of 4 consecutive A bases (chr2:214,745,865-214,745,868); deleting any one gives the same sequence. VCF-style (leftmost placement, unchanged base first): chr2-214745864-TA-T. GRCh37 (hg19) VCF-style: chr2-215610588-TA-T.
Other names: c.268-11del (NM_001282548.2); c.1621-11del (NM_001282543.2); c.325-11del (NM_001282545.2); c.365-15357del (NM_001282549.2).
Identifiers: ClinVar variation 3379365 (VCV003379365.1).

ClinVar aggregate classification (germline): Likely benign (1 of 4 stars; one submission).

Conditions:
Familial cancer of breast. Also called: hereditary breast carcinoma; Hereditary breast cancer; BREAST CANCER, FAMILIAL. Identifiers: Orphanet 227535, MedGen C0346153, MONDO:0016419, OMIM 114480. Disease mechanism: loss of function.

Submission:

Myriad Genetics, Inc.
Classification: Likely benign for Familial cancer of breast. Last evaluated: 2024-07-26. Review status: criteria provided, single submitter. Criteria: Myriad Autosomal Dominant, Autosomal Recessive and X-Linked Classification Criteria (2023). Collection method: clinical testing. Allele origin: unknown.
Comment: This variant is considered likely benign. This variant is intronic and is not expected to impact mRNA splicing.